The following is an entry in ClinVar:

NM_002474.3(MYH11):c.2412-4C>T

Gene: MYH11 (myosin heavy chain 11; minus strand). Cytogenetic location: 16p13.11.
Variant type: single nucleotide variant.
Coding change: c.2412-4C>T on transcript NM_002474.3 (MANE Select); 4 bases into the intron before coding-DNA position 2412, C replaced by T.
Molecular consequence: intron variant.
Genome position (GRCh38, 1-based): chr16:15,745,241, G>A on the plus strand (C>T on the coding strand, the complement: MYH11 is on the minus strand). VCF-style: chr16-15745241-G-A. GRCh37 (hg19) VCF-style: chr16-15839098-G-A.
Other names: c.2412-4C>T (NM_022844.3); c.2433-4C>T (NM_001040114.2, NM_001040113.2).
Identifiers: ClinVar variation 774987 (VCV000774987.18), dbSNP rs750313377, ClinGen allele CA7922271.

ClinVar aggregate classification (germline): Likely benign. Review status: criteria provided, multiple submitters, no conflicts (2 of 4 stars). 3 submissions from 3 submitters: Likely benign (3). Last evaluated 2025-12-16.

Conditions:
Familial thoracic aortic aneurysm and aortic dissection (TAAD). Also called: Thoracic aortic aneurysms and dissections. Identifiers: Orphanet 91387, MedGen C4707243, MONDO:0019625.
Aortic aneurysm, familial thoracic 4 (AAT4). Also called: AORTIC ANEURYSM/AORTIC DISSECTION AND PATENT DUCTUS ARTERIOSUS. Identifiers: MedGen C1851504, MONDO:0007568, OMIM 132900.

Allele frequency attached by ClinVar (database versions not stated): ExAC 0.00001; gnomAD 0.00001; gnomAD exomes 0.00001; TOPMed 0.00002.
gnomAD v4.1: 7 of 1,612,138 alleles (0.00043%); highest among the groups gnomAD compares: East Asian, 0.0022%; no homozygotes.

Submissions (3):

Labcorp Genetics (formerly Invitae), Labcorp
Classification: Likely benign for Aortic aneurysm, familial thoracic 4. Last evaluated: 2025-12-16. Review status: criteria provided, single submitter. Criteria: Invitae Variant Classification Sherloc (09022015). Collection method: clinical testing. Allele origin: germline.

All of Us Research Program, National Institutes of Health
Classification: Likely benign for Familial thoracic aortic aneurysm and aortic dissection. Last evaluated: 2024-05-14. Review status: criteria provided, single submitter. Criteria: ACMG Guidelines, 2015. Collection method: clinical testing. Allele origin: germline. Inheritance: Autosomal dominant inheritance. Observed: 1 variant allele, 1 heterozygote.
Comment: This study involves interpretation of variants in research participants for the purpose of population health screening. Participant phenotype was not available at the time of variant classification. Additional details can be found in publication PMID: 35346344, PMCID: PMC8962531

ARUP Laboratories, Molecular Genetics and Genomics, ARUP Laboratories
Classification: Likely benign for Aortic aneurysm, familial thoracic 4. Last evaluated: 2020-05-29. Review status: criteria provided, single submitter. Criteria: ARUP Molecular Germline Variant Investigation Process. Collection method: clinical testing. Allele origin: germline.